The following is an entry in ClinVar:

ClinVar aggregate classification (germline): Uncertain significance. Review status: criteria provided, multiple submitters, no conflicts (2 of 4 stars). 2 submissions from 2 submitters: Uncertain significance (2). Last evaluated 2025-12-20.

Conditions:
Inborn genetic diseases. Identifiers: MedGen C0950123, MeSH D030342.
Aortic valve disease 2 (AOVD2). Identifiers: MedGen C3542024, MONDO:0013902, OMIM 614823.

Allele frequency attached by ClinVar (database versions not stated): ExAC below 0.00001; gnomAD exomes 0.00003.
gnomAD v4.1: 4 of 1,483,928 alleles (0.00027%); highest among the groups gnomAD compares: Admixed American, 0.0091%; no homozygotes.

Submissions (2):

Labcorp Genetics (formerly Invitae), Labcorp
Classification: Uncertain significance for Aortic valve disease 2. Last evaluated: 2025-12-20. Review status: criteria provided, single submitter. Criteria: Invitae Variant Classification Sherloc (09022015). Collection method: clinical testing. Allele origin: germline.
Comment: This sequence change replaces proline, which is neutral and non-polar, with serine, which is neutral and polar, at codon 272 of the SMAD6 protein (p.Pro272Ser). This variant is present in population databases (rs781458675, gnomAD 0.02%). This variant has not been reported in the literature in individuals affected with SMAD6-related conditions. ClinVar contains an entry for this variant (Variation ID: 471763). Invitae Evidence Modeling of protein sequence and biophysical properties (such as structural, functional, and spatial information, amino acid conservation, physicochemical variation, residue mobility, and thermodynamic stability) indicates that this missense variant is not expected to disrupt SMAD6 protein function with a negative predictive value of 80%. In summary, the available evidence is currently insufficient to determine the role of this variant in disease. Therefore, it has been classified as a Variant of Uncertain Significance.

Ambry Genetics
Classification: Uncertain significance for Inborn genetic diseases. Last evaluated: 2024-10-01. Review status: criteria provided, single submitter. Criteria: Ambry Variant Classification Scheme 2023. Collection method: clinical testing. Allele origin: germline.

NM_005585.5(SMAD6):c.814C>T (p.Pro272Ser)

Gene: SMAD6 (SMAD family member 6; plus strand). Cytogenetic location: 15q22.31.
Variant type: single nucleotide variant.
Coding change: c.814C>T on transcript NM_005585.5 (MANE Select); coding-DNA position 814, C replaced by T.
Protein change: p.Pro272Ser; replaces proline 272 with serine.
Molecular consequence: missense variant. On other transcripts: non-coding transcript variant (1).
Genome position (GRCh38, 1-based): chr15:66,704,072, C>T. VCF-style: chr15-66704072-C-T. GRCh37 (hg19) VCF-style: chr15-66996410-C-T.
Other names: short protein forms P272S.
Identifiers: ClinVar variation 471763 (VCV000471763.10), dbSNP rs781458675, ClinGen allele CA7626538.